The following is an entry in ClinVar:

NM_033087.4(ALG2):c.489G>C (p.Glu163Asp)

Gene: ALG2 (ALG2 alpha-1,3/1,6-mannosyltransferase; minus strand). Cytogenetic location: 9q22.33.
Variant type: single nucleotide variant.
Coding change: c.489G>C on transcript NM_033087.4 (MANE Select); coding-DNA position 489, G replaced by C.
Protein change: p.Glu163Asp; replaces glutamic acid 163 with aspartic acid.
Molecular consequence: missense variant. On other transcripts: non-coding transcript variant (1).
Genome position (GRCh38, 1-based): chr9:99,218,696, C>G on the plus strand (G>C on the coding strand, the complement: ALG2 is on the minus strand). VCF-style: chr9-99218696-C-G. GRCh37 (hg19) VCF-style: chr9-101980978-C-G.
Other names: short protein forms E163D.
Identifiers: ClinVar variation 1472425 (VCV001472425.4), dbSNP rs1486842886, ClinGen allele CA374229118.

ClinVar aggregate classification (germline): Uncertain significance (1 of 4 stars; one submission).

Conditions:
Congenital disorder of glycosylation, type Ii. Also called: ALG2-CDG; CDG Ii; ALG2-congenital disorder of glycosylation. Identifiers: Orphanet 79326, MedGen C1842836, MONDO:0011933, OMIM 607906.
Congenital myasthenic syndrome 14. Also called: Myasthenic syndrome, congenital, 14, with tubular aggregates. Identifiers: Orphanet 353327, Orphanet 590, MedGen C4015597, MONDO:0014543, OMIM 616228.

Allele frequency attached by ClinVar (database versions not stated): TOPMed 0.00002; gnomAD exomes below 0.00001 and 0.00001; gnomAD 0.00001.

Submission:

Labcorp Genetics (formerly Invitae), Labcorp
Classification: Uncertain significance for Congenital disorder of glycosylation, type Ii; Congenital myasthenic syndrome 14. Last evaluated: 2024-10-21. Review status: criteria provided, single submitter. Criteria: Invitae Variant Classification Sherloc (09022015). Collection method: clinical testing. Allele origin: germline.
Comment: This sequence change replaces glutamic acid, which is acidic and polar, with aspartic acid, which is acidic and polar, at codon 163 of the ALG2 protein (p.Glu163Asp). This variant is present in population databases (no rsID available, gnomAD 0.0009%). This variant has not been reported in the literature in individuals affected with ALG2-related conditions. ClinVar contains an entry for this variant (Variation ID: 1472425). An algorithm developed to predict the effect of missense changes on protein structure and function (PolyPhen-2) suggests that this variant is likely to be disruptive. In summary, the available evidence is currently insufficient to determine the role of this variant in disease. Therefore, it has been classified as a Variant of Uncertain Significance.